The following is an entry in ClinVar:

ClinVar aggregate classification (germline): Uncertain significance. Review status: criteria provided, multiple submitters, no conflicts (2 of 4 stars). 2 submissions from 2 submitters: Uncertain significance (2). Last evaluated 2026-01-03.

Conditions:
Hereditary cancer-predisposing syndrome. Also called: Tumor predisposition; Hereditary Cancer Syndrome; Hereditary neoplastic syndrome; Neoplastic Syndromes, Hereditary. Identifiers: Orphanet 140162, MedGen C0027672, MeSH D009386, MONDO:0015356.
Pheochromocytoma/paraganglioma syndrome 3. Also called: GLOMUS TUMORS, FAMILIAL, 3; Paragangliomas 3; SDHC-Related Hereditary Paraganglioma-Pheochromocytoma Syndrome (Paragangliomas 3); SDHC-Related Hereditary Paraganglioma-Pheochromocytoma Syndrome. Identifiers: Orphanet 29072, MedGen C1854336, MONDO:0011544, OMIM 605373.
Gastrointestinal stromal tumor. Also called: Gastrointestinal stroma tumor; Gastrointestinal stromal tumor, somatic. Identifiers: Orphanet 44890, MedGen C0238198, MeSH D046152, MONDO:0011719, OMIM 606764, HP:0100723.

Submissions (2):

Ambry Genetics
Classification: Uncertain significance for Hereditary cancer-predisposing syndrome. Last evaluated: 2026-01-03. Review status: criteria provided, single submitter. Criteria: Ambry Variant Classification Scheme 2023. Collection method: clinical testing. Allele origin: germline.
Comment: The p.H12L variant (also known as c.35A>T), located in coding exon 2 of the SDHC gene, results from an A to T substitution at nucleotide position 35. The histidine at codon 12 is replaced by leucine, an amino acid with similar properties. This amino acid position is conserved. In addition, the in silico prediction for this alteration is inconclusive. Based on the available evidence, the clinical significance of this variant remains unclear.

Labcorp Genetics (formerly Invitae), Labcorp
Classification: Uncertain significance for Pheochromocytoma/paraganglioma syndrome 3; Gastrointestinal stromal tumor. Last evaluated: 2024-07-29. Review status: criteria provided, single submitter. Criteria: Invitae Variant Classification Sherloc (09022015). Collection method: clinical testing. Allele origin: germline.
Comment: This sequence change replaces histidine, which is basic and polar, with leucine, which is neutral and non-polar, at codon 12 of the SDHC protein (p.His12Leu). This variant is not present in population databases (gnomAD no frequency). This variant has not been reported in the literature in individuals affected with SDHC-related conditions. ClinVar contains an entry for this variant (Variation ID: 1981570). An algorithm developed to predict the effect of missense changes on protein structure and function (PolyPhen-2) suggests that this variant is likely to be tolerated. In summary, the available evidence is currently insufficient to determine the role of this variant in disease. Therefore, it has been classified as a Variant of Uncertain Significance.

NM_003001.5(SDHC):c.35A>T (p.His12Leu)

Gene: SDHC (succinate dehydrogenase complex subunit C; plus strand). Cytogenetic location: 1q23.3.
Variant type: single nucleotide variant.
Coding change: c.35A>T on transcript NM_003001.5 (MANE Select); coding-DNA position 35, A replaced by T.
Protein change: p.His12Leu; replaces histidine 12 with leucine.
Molecular consequence: missense variant. On other transcripts: 5 prime UTR variant (2), non-coding transcript variant (1), intron variant (4).
Genome position (GRCh38, 1-based): chr1:161,323,628, A>T. VCF-style: chr1-161323628-A-T. GRCh37 (hg19) VCF-style: chr1-161293418-A-T.
Other names: c.35A>T, p.His12Leu (NM_001035511.3, NM_001035512.3, NM_001278172.3 and 2 more transcripts); c.-77A>T (NM_001407119.1); c.-195A>T (NM_001407120.1); c.21-4768A>T (NM_001407116.1, NM_001407121.1, NM_001407117.1); c.20+9203A>T (NM_001035513.3); short protein forms H12L.
Identifiers: ClinVar variation 1981570 (VCV001981570.5), dbSNP rs1670923933, ClinGen allele CA343359345.
Genomic context (GRCh38, chr1:161,323,628, plus strand): 5'-GTTGATCTCTAAATGTGTATTGATTTTTGATTCTCTTATCTTGCAGACACGTTGGTCGTC[A>T]TTGCCTCCGAGCCCACTTTAGCCCTCAGCTCTGTATCAGAAAGTAAGTTTCTAAGTCTGG-3'
Protein context (NP_002992.1, residues 2-22): AALLLRHVGR[His12Leu]CLRAHFSPQL